The following is an entry in ClinVar:

NM_005228.5(EGFR):c.1631+5G>C

Gene: EGFR (epidermal growth factor receptor; plus strand). Cytogenetic location: 7p11.2.
Variant type: single nucleotide variant.
Coding change: c.1631+5G>C on transcript NM_005228.5 (MANE Select); 5 bases into the intron after coding-DNA position 1631, G replaced by C.
Molecular consequence: intron variant.
Genome position (GRCh38, 1-based): chr7:55,161,636, G>C. VCF-style: chr7-55161636-G-C. GRCh37 (hg19) VCF-style: chr7-55229329-G-C.
Other names: c.1496+5G>C (NM_001346899.2, NM_001346897.2); c.830+5G>C (NM_001346941.2); c.1631+5G>C (NM_001346898.2, NM_201284.2, NM_201282.2); c.1472+5G>C (NM_001346900.2).
Identifiers: ClinVar variation 1490946 (VCV001490946.6), dbSNP rs777179174, ClinGen allele CA4265628.

ClinVar aggregate classification (germline): Uncertain significance (1 of 4 stars; one submission).

Conditions:
EGFR-related lung cancer (EGFR). Identifiers: MedGen CN130014.

Allele frequency attached by ClinVar (database versions not stated): gnomAD exomes below 0.00001; ExAC 0.00001.
gnomAD v4.1: 1 of 1,614,258 alleles (0.000062%); highest among the groups gnomAD compares: Non-Finnish European, 0.000085%; no homozygotes.

Submission:

Labcorp Genetics (formerly Invitae), Labcorp
Classification: Uncertain significance for EGFR-related lung cancer. Last evaluated: 2021-09-16. Review status: criteria provided, single submitter. Criteria: Invitae Variant Classification Sherloc (09022015). Collection method: clinical testing. Allele origin: germline.
Comment: In summary, the available evidence is currently insufficient to determine the role of this variant in disease. Therefore, it has been classified as a Variant of Uncertain Significance. Variants that disrupt the consensus splice site are a relatively common cause of aberrant splicing (PMID: 17576681, 9536098). Algorithms developed to predict the effect of sequence changes on RNA splicing suggest that this variant may disrupt the consensus splice site. This variant has not been reported in the literature in individuals affected with EGFR-related conditions. This variant is present in population databases (rs777179174, ExAC 0.001%). This sequence change falls in intron 13 of the EGFR gene. It does not directly change the encoded amino acid sequence of the EGFR protein. It affects a nucleotide within the consensus splice site of the intron.

Literature cited by the submitters: PubMed 17576681; PubMed 9536098.